The following is an entry in ClinVar:

ClinVar aggregate classification (germline): Conflicting classifications of pathogenicity. Review status: criteria provided, conflicting classifications (1 of 4 stars). 5 submissions from 5 submitters: Uncertain significance (1); Benign (1); Likely benign (2). 1 of the submissions does not count toward it. Last evaluated 2025-10-01.

Conditions:
CEP55-related disorder. Also called: CEP55-related condition.

Allele frequency attached by ClinVar (database versions not stated): ESP Exome Variant Server 0.00077; ExAC 0.00081; gnomAD exomes 0.00087 and 0.00125; TOPMed 0.00089; gnomAD 0.00098 and 0.00102.
gnomAD v4.1: 1,995 of 1,613,734 alleles (0.12%); highest among the groups gnomAD compares: Non-Finnish European, 0.14%; 3 homozygotes.

Submissions (5):

CeGaT Center for Human Genetics Tuebingen
Classification: Likely benign. Last evaluated: 2025-10-01. Review status: criteria provided, single submitter. Criteria: CeGaT Center For Human Genetics Tuebingen Variant Classification Criteria Version 2. Collection method: clinical testing. Allele origin: germline. Affected: yes. Observed: 1 variant allele.
Comment: CEP55: BP4, BS2

Laboratory of Genetics, Children's Clinical University Hospital Latvia
Classification: Benign. Last evaluated: 2025-02-16. Review status: criteria provided, single submitter. Criteria: ACMG Guidelines, 2015. Collection method: clinical testing. Allele origin: germline. Affected: yes.

Blueprint Genetics
Classification: Likely benign. Last evaluated: 2024-11-26. Review status: criteria provided, single submitter. Criteria: ACMG Guidelines, 2015. Collection method: clinical testing. Allele origin: germline.

Labcorp Genetics (formerly Invitae), Labcorp
Classification: Uncertain significance. Last evaluated: 2023-06-12. Review status: criteria provided, single submitter. Criteria: Invitae Variant Classification Sherloc (09022015). Collection method: clinical testing. Allele origin: germline.
Comment: In summary, the available evidence is currently insufficient to determine the role of this variant in disease. Therefore, it has been classified as a Variant of Uncertain Significance. Algorithms developed to predict the effect of missense changes on protein structure and function output the following: SIFT: "Not Available"; PolyPhen-2: "Benign"; Align-GVGD: "Not Available". The lysine amino acid residue is found in multiple mammalian species, which suggests that this missense change does not adversely affect protein function. ClinVar contains an entry for this variant (Variation ID: 1380347). This variant has not been reported in the literature in individuals affected with CEP55-related conditions. This variant is present in population databases (rs141349756, gnomAD 0.2%), and has an allele count higher than expected for a pathogenic variant. This sequence change replaces arginine, which is basic and polar, with lysine, which is basic and polar, at codon 298 of the CEP55 protein (p.Arg298Lys).

PreventionGenetics, part of Exact Sciences
Classification: Likely benign for CEP55-related condition. Last evaluated: 2023-11-15. Review status: no assertion criteria provided. Collection method: clinical testing. Allele origin: germline. Not counted in ClinVar's aggregate classification.
Comment: This variant is classified as likely benign based on ACMG/AMP sequence variant interpretation guidelines (Richards et al. 2015 PMID: 25741868, with internal and published modifications).

NM_018131.5(CEP55):c.893G>A (p.Arg298Lys)

Gene: CEP55 (centrosomal protein 55; plus strand). Cytogenetic location: 10q23.33.
Variant type: single nucleotide variant.
Coding change: c.893G>A on transcript NM_018131.5 (MANE Select); coding-DNA position 893, G replaced by A.
Protein change: p.Arg298Lys; replaces arginine 298 with lysine.
Molecular consequence: missense variant.
Genome position (GRCh38, 1-based): chr10:93,517,148, G>A. VCF-style: chr10-93517148-G-A. GRCh37 (hg19) VCF-style: chr10-95276905-G-A.
Other names: c.893G>A, p.Arg298Lys (NM_001127182.2); c.893G>A (NM_001127182.1); short protein forms R298K.
Identifiers: ClinVar variation 1380347 (VCV001380347.14), dbSNP rs141349756, ClinGen allele CA5609014.
Genomic context (GRCh38, chr10:93,517,148, plus strand): 5'-ATTTAAATCAGCTGTTGTATTCACAAAGAAGGGCAGATGTGCAACATCTGGAAGATGATA[G>A]GCATAAAACAGAGAAGATACAAAAACTCAGGGAAGAGAATGATATTGCTAGGGGAAAACT-3'
Protein context (NP_060601.4, residues 288-308): RADVQHLEDD[Arg298Lys]HKTEKIQKLR